The following is an entry in ClinVar:

NM_019098.5(CNGB3):c.1310T>G (p.Leu437Ter)

Gene: CNGB3 (cyclic nucleotide gated channel subunit beta 3; minus strand). Cytogenetic location: 8q21.3.
Variant type: single nucleotide variant.
Coding change: c.1310T>G on transcript NM_019098.5 (MANE Select); coding-DNA position 1310, T replaced by G.
Protein change: p.Leu437Ter; replaces leucine 437 with a stop codon.
Molecular consequence: nonsense.
Genome position (GRCh38, 1-based): chr8:86,632,762, A>C on the plus strand (T>G on the coding strand, the complement: CNGB3 is on the minus strand). VCF-style: chr8-86632762-A-C. GRCh37 (hg19) VCF-style: chr8-87644990-A-C.
Other names: short protein forms L437*.
Identifiers: ClinVar variation 1437049 (VCV001437049.6), dbSNP rs2131585371, ClinGen allele CA371444047.

ClinVar aggregate classification (germline): Pathogenic (1 of 4 stars; one submission).

gnomAD v4.1: 12 of 1,613,168 alleles (0.00074%); highest among the groups gnomAD compares: Non-Finnish European, 0.001%; no homozygotes.

Submission:

Labcorp Genetics (formerly Invitae), Labcorp
Classification: Pathogenic. Last evaluated: 2021-08-27. Review status: criteria provided, single submitter. Criteria: Invitae Variant Classification Sherloc (09022015). Collection method: clinical testing. Allele origin: germline.
Comment: For these reasons, this variant has been classified as Pathogenic. This variant has not been reported in the literature in individuals affected with CNGB3-related conditions. This variant is not present in population databases (ExAC no frequency). This sequence change creates a premature translational stop signal (p.Leu437*) in the CNGB3 gene. It is expected to result in an absent or disrupted protein product. Loss-of-function variants in CNGB3 are known to be pathogenic (PMID: 28795510).

Literature cited by the submitters: PubMed 28795510.